The following is an entry in ClinVar:

ClinVar aggregate classification (germline): Uncertain significance (1 of 4 stars; one submission).

Submission:

GeneDx
Classification: Uncertain significance. Last evaluated: 2025-08-15. Review status: criteria provided, single submitter. Criteria: GeneDx Variant Classification Process June 2021. Collection method: clinical testing. Allele origin: germline. Affected: yes.
Comment: Not observed at significant frequency in large population cohorts (gnomAD); In silico analysis supports that this missense variant has a deleterious effect on protein structure/function; Has not been previously published as pathogenic or benign to our knowledge

NM_000443.4(ABCB4):c.158A>T (p.Asp53Val)

Gene: ABCB4 (ATP binding cassette subfamily B member 4; minus strand). Cytogenetic location: 7q21.12.
Variant type: single nucleotide variant.
Coding change: c.158A>T on transcript NM_000443.4 (MANE Select); coding-DNA position 158, A replaced by T.
Protein change: p.Asp53Val; replaces aspartic acid 53 with valine.
Molecular consequence: missense variant.
Genome position (GRCh38, 1-based): chr7:87,462,886, T>A on the plus strand (A>T on the coding strand, the complement: ABCB4 is on the minus strand). VCF-style: chr7-87462886-T-A. GRCh37 (hg19) VCF-style: chr7-87092202-T-A.
Other names: c.158A>T, p.Asp53Val (NM_018849.3, NM_018850.3); short protein forms D53V.
Identifiers: ClinVar variation 4795344 (VCV004795344.1).